The following is an entry in ClinVar:

ClinVar aggregate classification (germline): Pathogenic. Review status: criteria provided, multiple submitters, no conflicts (2 of 4 stars). 2 submissions from 2 submitters: Pathogenic (2). Last evaluated 2024-04-15.

Conditions:
Neurofibromatosis, type 1 (NF1). Also called: Peripheral type neurofibromatosis; VON RECKLINGHAUSEN DISEASE; NEUROFIBROMATOSIS, TYPE I, SOMATIC; Neurofibromatosis, type I. Identifiers: Orphanet 636, MedGen C0027831, MONDO:0018975, OMIM 162200. Disease mechanism: loss of function.

Submissions (2):

Quest Diagnostics Nichols Institute San Juan Capistrano
Classification: Pathogenic. Last evaluated: 2024-04-15. Review status: criteria provided, single submitter. Criteria: Quest Diagnostics criteria. Collection method: clinical testing. Allele origin: unknown.
Comment: The NF1 c.1498dup (p.Ile500Asnfs*11) variant alters the translational reading frame of the NF1 mRNA and causes the premature termination of NF1 protein synthesis. This variant has been reported in the published literature in individuals with neurofibromatosis 1 (NF1) (PMID: 23758643 (2013)). This variant has not been reported in large, multi-ethnic general populations (Genome Aggregation Database). Based on the available information, this variant is classified as pathogenic.

Labcorp Genetics (formerly Invitae), Labcorp
Classification: Pathogenic for Neurofibromatosis, type 1. Last evaluated: 2022-09-19. Review status: criteria provided, single submitter. Criteria: Invitae Variant Classification Sherloc (09022015). Collection method: clinical testing. Allele origin: germline.
Comment: This variant is also known as c.1497_1498insA. For these reasons, this variant has been classified as Pathogenic. This premature translational stop signal has been observed in individual(s) with neurofibromatosis type 1 (PMID: 23758643). It has also been observed to segregate with disease in related individuals. This sequence change creates a premature translational stop signal (p.Ile500Asnfs*11) in the NF1 gene. It is expected to result in an absent or disrupted protein product. Loss-of-function variants in NF1 are known to be pathogenic (PMID: 10712197, 23913538). This variant is not present in population databases (gnomAD no frequency).

Literature cited by the submitters: PubMed 23758643 (cited by Quest Diagnostics Nichols Institute San Juan Capistrano and Labcorp Genetics (formerly Invitae), Labcorp); PubMed 10712197 (cited by Labcorp Genetics (formerly Invitae), Labcorp); PubMed 23913538 (cited by Labcorp Genetics (formerly Invitae), Labcorp).

NM_001042492.3(NF1):c.1498dup (p.Ile500fs)

Gene: NF1 (neurofibromin 1; plus strand). Cytogenetic location: 17q11.2.
Variant type: Duplication.
Coding change: c.1498dup on transcript NM_001042492.3 (MANE Select); coding-DNA position 1498, one base duplicated (A; older notation c.1498dupA).
Protein change: p.Ile500fs; shifts the reading frame from isoleucine 500.
Molecular consequence: frameshift variant.
Genome position (GRCh38, 1-based): chr17:31,214,556, A duplicated; the last of 2 consecutive A bases (chr17:31,214,555-31,214,556); duplicating either gives the same sequence. VCF-style (leftmost placement, unchanged base first): chr17-31214554-T-TA. GRCh37 (hg19) VCF-style: chr17-29541572-T-TA.
Other names: c.1498dup, p.Ile500Asnfs (NM_000267.4); c.1498dup, p.Ile500fs (NM_001128147.3); short protein forms I500fs.
Identifiers: ClinVar variation 2137960 (VCV002137960.5), dbSNP rs2544829758, ClinGen allele CA2580092823.